The following is an entry in ClinVar:

ClinVar aggregate classification (germline): Uncertain significance (1 of 4 stars; one submission).

Conditions:
IFT172-related disorder. Also called: IFT172-related condition; IFT172-related disorders.

gnomAD v4.1: 3 of 1,614,066 alleles (0.00019%); highest among the groups gnomAD compares: Middle Eastern, 0.016%; no homozygotes.

Submission:

PreventionGenetics, part of Exact Sciences
Classification: Uncertain significance for IFT172-related condition. Last evaluated: 2026-02-02. Review status: criteria provided, single submitter. Criteria: ACMG Guidelines, 2015. Collection method: clinical testing. Allele origin: germline.
Comment: The IFT172 c.4796G>A variant is predicted to result in the amino acid substitution p.Arg1599His. To our knowledge, this variant has not been reported in the literature or in a large population database (gnomAD), indicating this variant is rare. At this time, the clinical significance of this variant is uncertain due to the absence of conclusive functional and genetic evidence.

NM_015662.3(IFT172):c.4796G>A (p.Arg1599His)

Genes: IFT172 (intraflagellar transport 172; minus strand), KRTCAP3 (keratinocyte associated protein 3; plus strand). Cytogenetic location: 2p23.3.
Variant type: single nucleotide variant.
Coding change: c.4796G>A on transcript NM_015662.3 (MANE Select); coding-DNA position 4796, G replaced by A.
Protein change: p.Arg1599His; replaces arginine 1599 with histidine.
Molecular consequence: missense variant. On other transcripts: intron variant (1).
Genome position (GRCh38, 1-based): chr2:27,445,948, C>T on the plus strand (G>A on the coding strand, the complement: IFT172 is on the minus strand). VCF-style: chr2-27445948-C-T. GRCh37 (hg19) VCF-style: chr2-27668815-C-T.
Other names: c.4730G>A, p.Arg1577His (NM_001410739.1); c.*6-353C>T (NM_001168364.2); short protein forms R1577H, R1599H.
Identifiers: ClinVar variation 5000581 (VCV005000581.1).
Genomic context (GRCh38, chr2:27,445,948, plus strand): 5'-GGCAAAAACCTCCACCCTCGGGGCACAGCTTCCCTACTCACATCGGTCAGGTCCAAAAAG[C>T]GATTGAGGAAGATGAATGCCATGTTATCCCAGCCAACTGCCTGCAGCAAAGAAGAGTTGC-3'
Protein context (NP_056477.1, residues 1589-1609): WDNMAFIFLN[Arg1599His]FLDLTDAIEE